The following is an entry in ClinVar:

ClinVar aggregate classification (germline): Uncertain significance (1 of 4 stars; one submission).

Conditions:
IFT74-related disorder. Also called: IFT74-Related Disorders; IFT74-related condition.

Submission:

PreventionGenetics, part of Exact Sciences
Classification: Uncertain significance for IFT74-related condition. Last evaluated: 2026-01-29. Review status: criteria provided, single submitter. Criteria: ACMG Guidelines, 2015. Collection method: clinical testing. Allele origin: germline.
Comment: The IFT74 c.1289C>T variant is predicted to result in the amino acid substitution p.Thr430Ile. To our knowledge, this variant has not been reported in the literature. This variant is reported in 0.0029% of alleles in individuals of Latino descent in gnomAD. At this time, the clinical significance of this variant is uncertain due to the absence of conclusive functional and genetic evidence.

NM_025103.4(IFT74):c.1289C>T (p.Thr430Ile)

Gene: IFT74 (intraflagellar transport 74; plus strand). Cytogenetic location: 9p21.2.
Variant type: single nucleotide variant.
Coding change: c.1289C>T on transcript NM_025103.4 (MANE Select); coding-DNA position 1289, C replaced by T.
Protein change: p.Thr430Ile; replaces threonine 430 with isoleucine.
Molecular consequence: missense variant.
Genome position (GRCh38, 1-based): chr9:27,048,230, C>T. VCF-style: chr9-27048230-C-T. GRCh37 (hg19) VCF-style: chr9-27048228-C-T.
Other names: c.1289C>T, p.Thr430Ile (NM_001099222.3, NM_001099223.3, NM_001349928.2); short protein forms T430I.
Identifiers: ClinVar variation 4982048 (VCV004982048.1).